The following is an entry in ClinVar:

ClinVar aggregate classification (germline): Conflicting classifications of pathogenicity. Review status: criteria provided, conflicting classifications (1 of 4 stars). 4 submissions from 4 submitters: Uncertain significance (1); Benign (2); Likely benign (1). Last evaluated 2025-11-21.

Allele frequency attached by ClinVar (database versions not stated): TOPMed 0.00057; 1000 Genomes Project 30x 0.00234; 1000 Genomes Project 0.00240.
gnomAD v4.1: 269 of 1,550,424 alleles (0.017%); highest among the groups gnomAD compares: East Asian, 0.5%; 3 homozygotes.

Submissions (4):

Labcorp Genetics (formerly Invitae), Labcorp
Classification: Benign. Last evaluated: 2025-11-21. Review status: criteria provided, single submitter. Criteria: Invitae Variant Classification Sherloc (09022015). Collection method: clinical testing. Allele origin: germline.

Blueprint Genetics
Classification: Likely benign. Last evaluated: 2024-09-10. Review status: criteria provided, single submitter. Criteria: ACMG Guidelines, 2015. Collection method: clinical testing. Allele origin: germline.

Laboratory for Molecular Medicine, Mass General Brigham Personalized Medicine
Classification: Benign. Last evaluated: 2017-08-25. Review status: criteria provided, single submitter. Criteria: LMM Criteria. Collection method: clinical testing. Allele origin: germline. Observed: 1 variant allele.
Comment: p.Phe463Leu in exon 12 of OTOG: This variant is not expected to have clinical si gnificance because it has been identified in 0.8% (95/11746) of East Asian chrom osomes including 2 homozygotes by the Genome Aggregation Database (gnomAD; dbSNP rs189947237).

GeneDx
Classification: Uncertain significance. Last evaluated: 2017-08-04. Review status: criteria provided, single submitter. Criteria: GeneDx Variant Classification (06012015). Collection method: clinical testing. Allele origin: germline. Affected: yes.
Comment: The F463L variant in the OTOG gene has not been reported previously as a pathogenic variant, nor as a benign variant, to our knowledge. The F463L variant is not observed at a significant frequency in large population cohorts (Lek et al., 2016; 1000 Genomes Consortium et al., 2015; Exome Variant Server). The F463L variant is a conservative amino acid substitution, which is not likely to impact secondary protein structure as these residues share similar properties. This substitution occurs at a position that is conserved in mammals, however, in silico analysis is inconsistent in its predictions as to whether or not the variant is damaging to the protein structure/function. We interpret F463L as a variant of uncertain significance.

NM_001292063.2(OTOG):c.1353C>A (p.Phe451Leu)

Gene: OTOG (otogelin; plus strand). Cytogenetic location: 11p15.1.
Variant type: single nucleotide variant.
Coding change: c.1353C>A on transcript NM_001292063.2 (MANE Select); coding-DNA position 1353, C replaced by A.
Protein change: p.Phe451Leu; replaces phenylalanine 451 with leucine.
Molecular consequence: missense variant.
Genome position (GRCh38, 1-based): chr11:17,560,719, C>A. VCF-style: chr11-17560719-C-A. GRCh37 (hg19) VCF-style: chr11-17582266-C-A.
Other names: c.1389C>A, p.Phe463Leu (NM_001277269.2); short protein forms F463L, F451L.
Identifiers: ClinVar variation 450919 (VCV000450919.15), dbSNP rs189947237, ClinGen allele CA5905482.
Genomic context (GRCh38, chr11:17,560,719, plus strand): 5'-TTGTGAACAGGGGCAAAGGTGAGTTAATTGGCCCTTTGCTGTCACTCTAGGGCTCATCTT[C>A]GAGGATGGGGGCTGCGTGGCACCAGCTGAGTGTCCCTGTGAGTTTCACGGGACTCTGTAC-3'
Protein context (NP_001278992.1, residues 441-461): DGCYCPNGLI[Phe451Leu]EDGGCVAPAE